The following is an entry in ClinVar:

ClinVar aggregate classification (germline): Conflicting classifications of pathogenicity. Review status: criteria provided, conflicting classifications (1 of 4 stars). 3 submissions from 3 submitters: Uncertain significance (1); Benign (1); Likely benign (1). Last evaluated 2026-01-13.

Conditions:
ACVR1-related disorder. Also called: ACVR1-related condition.
Progressive myositis ossificans (FOP). Also called: Myositis ossificans progressiva; Progressive ossifying myositis; Fibrodysplasia Ossificans Progressiva. Identifiers: Orphanet 337, MedGen C0016037, MONDO:0007606, OMIM 135100.

Allele frequency attached by ClinVar (database versions not stated): TOPMed 0.00006; ESP Exome Variant Server 0.00008; gnomAD 0.00008 and 0.00009; gnomAD exomes 0.00009 and 0.00012; ExAC 0.00010.
gnomAD v4.1: 178 of 1,613,824 alleles (0.011%); highest among the groups gnomAD compares: Non-Finnish European, 0.015%; no homozygotes.

Submissions (3):

Labcorp Genetics (formerly Invitae), Labcorp
Classification: Likely benign. Last evaluated: 2026-01-13. Review status: criteria provided, single submitter. Criteria: Invitae Variant Classification Sherloc (09022015). Collection method: clinical testing. Allele origin: germline.

PreventionGenetics, part of Exact Sciences
Classification: Uncertain significance for ACVR1-related condition. Last evaluated: 2025-09-02. Review status: criteria provided, single submitter. Criteria: ACMG Guidelines, 2015. Collection method: clinical testing. Allele origin: germline.
Comment: The ACVR1 c.484G>A variant is predicted to result in the amino acid substitution p.Val162Met. To our knowledge, this variant has not been reported in the literature. This variant is reported in 0.017% of alleles in individuals of European (Non-Finnish) descent in gnomAD. Although we suspect that this variant may be benign, at this time, the clinical significance of this variant is uncertain due to the absence of conclusive functional and genetic evidence.

Illumina Laboratory Services, Illumina
Classification: Benign for Progressive myositis ossificans. Last evaluated: 2018-01-13. Review status: criteria provided, single submitter. Criteria: ICSL Variant Classification Criteria 13 December 2019. Collection method: clinical testing. Allele origin: germline.
Comment: This variant was observed in the ICSL laboratory as part of a predisposition screen in an ostensibly healthy population. It had not been previously curated by ICSL or reported in the Human Gene Mutation Database (HGMD: prior to June 1st, 2018), and was therefore a candidate for classification through an automated scoring system. Utilizing variant allele frequency, disease prevalence and penetrance estimates, and inheritance mode, an automated score was calculated to assess if this variant is too frequent to cause the disease. Based on the score and internal cut-off values, a variant classified as benign is not then subjected to further curation. The score for this variant resulted in a classification of benign for this disease.

NM_001111067.4(ACVR1):c.484G>A (p.Val162Met)

Gene: ACVR1 (activin A receptor type 1; minus strand). Cytogenetic location: 2q24.1.
Variant type: single nucleotide variant.
Coding change: c.484G>A on transcript NM_001111067.4 (MANE Select); coding-DNA position 484, G replaced by A.
Protein change: p.Val162Met; replaces valine 162 with methionine.
Molecular consequence: missense variant.
Genome position (GRCh38, 1-based): chr2:157,778,190, C>T on the plus strand (G>A on the coding strand, the complement: ACVR1 is on the minus strand). VCF-style: chr2-157778190-C-T. GRCh37 (hg19) VCF-style: chr2-158634702-C-T.
Other names: c.484G>A, p.Val162Met (NM_001105.5, NM_001347663.1, NM_001347664.1 and 3 more transcripts); short protein forms V162M.
Identifiers: ClinVar variation 893616 (VCV000893616.12), dbSNP rs201452185, ClinGen allele CA1919145.